The following is an entry in ClinVar:

NM_000260.4(MYO7A):c.3662C>G (p.Pro1221Arg)

Gene: MYO7A (myosin VIIA; plus strand). Cytogenetic location: 11q13.5.
Variant type: single nucleotide variant.
Coding change: c.3662C>G on transcript NM_000260.4 (MANE Select); coding-DNA position 3662, C replaced by G.
Protein change: p.Pro1221Arg; replaces proline 1221 with arginine.
Molecular consequence: missense variant.
Genome position (GRCh38, 1-based): chr11:77,190,051, C>G. VCF-style: chr11-77190051-C-G. GRCh37 (hg19) VCF-style: chr11-76901096-C-G.
Other names: c.3662C>G, p.Pro1221Arg (NM_001127180.2); c.3629C>G, p.Pro1210Arg (NM_001369365.1); short protein forms P1221R, P1210R.
Identifiers: ClinVar variation 306183 (VCV000306183.15), dbSNP rs780594308, ClinGen allele CA6198162.
Genomic context (GRCh38, chr11:77,190,051, plus strand): 5'-GGCCGCCTCAGCGGGTACTCTGGCTGCAGTACCTGCGGAACTTCATCCACGGGGGCCCGC[C>G]CGGCTACGCCCCGTACTGTGAGGAGCGCCTGAGAAGGACCTTTGTCAATGGGACACGGAC-3'
Protein context (NP_000251.3, residues 1211-1231): YLRNFIHGGP[Pro1221Arg]GYAPYCEERL

ClinVar aggregate classification (germline): Conflicting classifications of pathogenicity. Review status: criteria provided, conflicting classifications (1 of 4 stars). 7 submissions from 5 submitters: Uncertain significance (5); Likely benign (2). Last evaluated 2025-12-30.

Conditions:
Autosomal recessive nonsyndromic hearing loss 2. Also called: NEUROSENSORY NONSYNDROMIC RECESSIVE DEAFNESS 2; DEAFNESS, AUTOSOMAL RECESSIVE 2. Identifiers: Orphanet 90636, MedGen C1838701, MONDO:0010807, OMIM 600060.
Autosomal dominant nonsyndromic hearing loss 11. Identifiers: Orphanet 90635, MedGen C1832475, MONDO:0011032, OMIM 601317.
Usher syndrome type 1 (USH1). Also called: RETINITIS PIGMENTOSA AND CONGENITAL DEAFNESS. Identifiers: Orphanet 231169, Orphanet 886, MedGen C1568247, MONDO:0010168, OMIM 276900.

Allele frequency attached by ClinVar (database versions not stated): gnomAD 0.00003; TOPMed 0.00003; gnomAD exomes 0.00004 and 0.00007; ExAC 0.00014.
gnomAD v4.1: 59 of 1,567,282 alleles (0.0038%); highest among the groups gnomAD compares: Admixed American, 0.0019%; 1 homozygote.

Submissions (7):

Labcorp Genetics (formerly Invitae), Labcorp
Classification: Likely benign. Last evaluated: 2025-12-30. Review status: criteria provided, single submitter. Criteria: Invitae Variant Classification Sherloc (09022015). Collection method: clinical testing. Allele origin: germline.

GeneDx
Classification: Uncertain significance. Last evaluated: 2024-01-19. Review status: criteria provided, single submitter. Criteria: GeneDx Variant Classification Process June 2021. Collection method: clinical testing. Allele origin: germline. Affected: yes.
Comment: In silico analysis supports that this missense variant has a deleterious effect on protein structure/function; Has not been previously published as pathogenic or benign to our knowledge

Blueprint Genetics
Classification: Uncertain significance. Last evaluated: 2022-08-05. Review status: criteria provided, single submitter. Criteria: ACMG Guidelines, 2015. Collection method: clinical testing. Allele origin: germline.

Department of Pathology and Laboratory Medicine, Sinai Health System
Classification: Uncertain significance for Usher syndrome type 1; Autosomal recessive nonsyndromic hearing loss 2; Autosomal dominant nonsyndromic hearing loss 11. Last evaluated: 2020-07-14. Review status: criteria provided, single submitter. Criteria: ACMG Guidelines, 2015. Collection method: research. Allele origin: germline.

Illumina Laboratory Services, Illumina
Classification: Uncertain significance for Usher syndrome type 1. Last evaluated: 2018-01-12. Review status: criteria provided, single submitter. Criteria: ICSL Variant Classification Criteria 13 December 2019. Collection method: clinical testing. Allele origin: germline.

Illumina Laboratory Services, Illumina
Classification: Likely benign for Autosomal dominant nonsyndromic hearing loss 11. Last evaluated: 2018-01-12. Review status: criteria provided, single submitter. Criteria: ICSL Variant Classification Criteria 13 December 2019. Collection method: clinical testing. Allele origin: germline.
Comment: This variant was observed in the ICSL laboratory as part of a predisposition screen in an ostensibly healthy population. It had not been previously curated by ICSL or reported in the Human Gene Mutation Database (HGMD: prior to June 1st, 2018), and was therefore a candidate for classification through an automated scoring system. Utilizing variant allele frequency, disease prevalence and penetrance estimates, and inheritance mode, an automated score was calculated to assess if this variant is too frequent to cause the disease. Based on the score and internal cut-off values, a variant classified as likely benign is not then subjected to further curation. The score for this variant resulted in a classification of likely benign for this disease.

Illumina Laboratory Services, Illumina
Classification: Uncertain significance for Autosomal recessive nonsyndromic hearing loss 2. Last evaluated: 2018-01-12. Review status: criteria provided, single submitter. Criteria: ICSL Variant Classification Criteria 13 December 2019. Collection method: clinical testing. Allele origin: germline.